The following is an entry in ClinVar:

NM_000465.4(BARD1):c.2083G>A (p.Val695Ile)

Gene: BARD1 (BRCA1 associated RING domain 1; minus strand). Cytogenetic location: 2q35.
Variant type: single nucleotide variant.
Coding change: c.2083G>A on transcript NM_000465.4 (MANE Select); coding-DNA position 2083, G replaced by A.
Protein change: p.Val695Ile; replaces valine 695 with isoleucine.
Molecular consequence: missense variant. On other transcripts: non-coding transcript variant (3).
Genome position (GRCh38, 1-based): chr2:214,728,927, C>T on the plus strand (G>A on the coding strand, the complement: BARD1 is on the minus strand). VCF-style: chr2-214728927-C-T. GRCh37 (hg19) VCF-style: chr2-215593651-C-T.
Other names: c.2026G>A, p.Val676Ile (NM_001282543.2); c.730G>A, p.Val244Ile (NM_001282545.2); c.673G>A, p.Val225Ile (NM_001282548.2); c.544G>A, p.Val182Ile (NM_001282549.2); short protein forms V695I, V225I, V676I, V182I, V244I.
Identifiers: ClinVar variation 141937 (VCV000141937.29), dbSNP rs111367604, ClinGen allele CA166844.

ClinVar aggregate classification (germline): Conflicting classifications of pathogenicity. Review status: criteria provided, conflicting classifications (1 of 4 stars). 9 submissions from 9 submitters: Uncertain significance (6); Likely benign (3). Last evaluated 2026-07-08.

Conditions:
BARD1-related cancer predisposition. Identifiers: MedGen CN377756, MONDO:0700267.
BARD1-related disorder. Also called: BARD1-related condition.
Hereditary cancer-predisposing syndrome. Also called: Tumor predisposition; Neoplastic Syndromes, Hereditary; Hereditary neoplastic syndrome; Hereditary Cancer Syndrome. Identifiers: Orphanet 140162, MedGen C0027672, MeSH D009386, MONDO:0015356.
Familial cancer of breast. Also called: BREAST CANCER, FAMILIAL; Hereditary breast cancer; hereditary breast carcinoma. Identifiers: Orphanet 227535, MedGen C0346153, MONDO:0016419, OMIM 114480. Disease mechanism: loss of function.

Allele frequency attached by ClinVar (database versions not stated): gnomAD exomes 0.00001 and 0.00002; gnomAD 0.00002; TOPMed 0.00004; ESP Exome Variant Server 0.00008.

Submissions (9):

PreventionGenetics, part of Exact Sciences
Classification: Uncertain significance for BARD1-related condition. Last evaluated: 2026-07-08. Review status: criteria provided, single submitter. Criteria: ACMG Guidelines, 2015. Collection method: clinical testing. Allele origin: germline.
Comment: The BARD1 c.2083G>A variant is predicted to result in the amino acid substitution p.Val695Ile. This variant has been reported in an individual with breast cancer that harbored variants in other genes (Schoolmeester et al. 2017. PubMed ID: 28709830, Table 1). This variant was also reported in an individual with ovarian cancer (Table S4, Bhai et al. 2021. PubMed ID: 34326862). Functional analysis using a homology-directed repair assay suggests this allele is functional (Lee et al.2015. PubMed ID: 26350354). This variant is reported in 0.0096% of alleles in individuals of Ashkenazi Jewish descent in gnomAD and has conflicting interpretations of likely benign and uncertain significance in ClinVar (Variation ID: 141937). Although we suspect that this variant may be benign, at this time, the clinical significance of this variant is uncertain due to the absence of conclusive functional and genetic evidence.

Labcorp Genetics (formerly Invitae), Labcorp
Classification: Uncertain significance for Familial cancer of breast. Last evaluated: 2026-01-12. Review status: criteria provided, single submitter. Criteria: Invitae Variant Classification Sherloc (09022015). Collection method: clinical testing. Allele origin: germline.
Comment: This sequence change replaces valine, which is neutral and non-polar, with isoleucine, which is neutral and non-polar, at codon 695 of the BARD1 protein (p.Val695Ile). This variant is present in population databases (rs111367604, gnomAD 0.01%). This missense change has been observed in individual(s) with breast cancer and individuals undergoing clinical testing for hereditary breast and ovarian cancer (HBOC) (PMID: 26350354, 28709830, 34326862). ClinVar contains an entry for this variant (Variation ID: 141937). An algorithm developed to predict the effect of missense changes on protein structure and function outputs the following: PolyPhen-2: "Benign". The isoleucine amino acid residue is found in multiple mammalian species, which suggests that this missense change does not adversely affect protein function. Experimental studies have shown that this missense change does not substantially affect BARD1 function (PMID: 26350354). In summary, the available evidence is currently insufficient to determine the role of this variant in disease. Therefore, it has been classified as a Variant of Uncertain Significance.

Color Diagnostics, LLC DBA Color Health
Classification: Likely benign for Hereditary cancer-predisposing syndrome. Last evaluated: 2024-09-19. Review status: criteria provided, single submitter. Criteria: ACMG Guidelines, 2015. Collection method: clinical testing. Allele origin: germline.

GeneDx
Classification: Uncertain significance. Last evaluated: 2024-08-23. Review status: criteria provided, single submitter. Criteria: GeneDx Variant Classification Process June 2021. Collection method: clinical testing. Allele origin: germline. Affected: yes.
Comment: Not observed at significant frequency in large population cohorts (gnomAD); In silico analysis indicates that this missense variant does not alter protein structure/function; Published functional studies demonstrate no damaging effect: DNA repair activity comparable to wild type in a homology-directed repair (HDR) assay (PMID: 26350354); Reported in a patient with early onset breast cancer who also harbored a truncating variant in RAD51C and in an individual with ovarian cancer (PMID: 34326862, 28709830); This variant is associated with the following publications: (PMID: 17550235, 26350354, 34326862, 28709830)

Department of Pathology and Laboratory Medicine, Sinai Health System
Classification: Uncertain significance for Familial cancer of breast. Last evaluated: 2024-05-07. Review status: criteria provided, single submitter. Criteria: ACMG Guidelines, 2015. Collection method: clinical testing. Allele origin: germline. Affected: yes.

Molecular Pathology, Peter Maccallum Cancer Centre
Classification: Uncertain significance for BARD1-related cancer predisposition. Last evaluated: 2024-02-12. Review status: criteria provided, single submitter. Criteria: ACMG Guidelines, 2015. Collection method: clinical testing. Allele origin: germline. Inheritance: Autosomal dominant inheritance.

Quest Diagnostics Nichols Institute San Juan Capistrano
Classification: Likely benign. Last evaluated: 2023-06-19. Review status: criteria provided, single submitter. Criteria: Quest Diagnostics criteria. Collection method: clinical testing. Allele origin: unknown.

Sema4
Classification: Uncertain significance for Hereditary cancer-predisposing syndrome. Last evaluated: 2021-09-30. Review status: criteria provided, single submitter. Criteria: Sema4 Curation Guidelines. Collection method: curation. Allele origin: germline.
Comment: The BARD1 c.2083G>A (p.V695I) variant has been reported in one individual with breast cancer, however that individual was positive for RAD51 pathogenic variant, providing supporting evidence for a benign role (PMID: 28709830). It was observed in 4/282652 chromosomes in the large and broad cohorts of the Genome Aggregation Database (PMID: 32461654). The variant has been reported in ClinVar (Variation ID: 141937). In silico tools suggest the impact of the variant on protein function is benign, though these predictions have not been confirmed by functional studies. There is no indication that this variant causes disease, but the evidence is insufficient currently to prove that conclusively. Thus, the clinical significance of this variant is currently uncertain.

Ambry Genetics
Classification: Likely benign for Hereditary cancer-predisposing syndrome. Last evaluated: 2018-03-01. Review status: criteria provided, single submitter. Criteria: Ambry Variant Classification Scheme 2023. Collection method: clinical testing. Allele origin: germline.

Literature cited by the submitters: PubMed 26350354 (cited by 4 submitters); PubMed 28709830 (cited by 4 submitters); PubMed 34326862 (cited by Labcorp Genetics (formerly Invitae), Labcorp); PubMed 33471991 (cited by Department of Pathology and Laboratory Medicine, Sinai Health System and Quest Diagnostics Nichols Institute San Juan Capistrano).